The following is an entry in ClinVar:

ClinVar aggregate classification (germline): Benign (1 of 4 stars; one submission).

Allele frequency attached by ClinVar (database versions not stated): 1000 Genomes Project 30x 0.30793; gnomAD 0.36642 and 0.36434; TOPMed 0.35029; 1000 Genomes Project 0.30631.
gnomAD v4.1: 55,717 of 152,026 alleles (37%); highest among the groups gnomAD compares: Non-Finnish European, 47%; 11,246 homozygotes.

Submissions (5):

GeneDx
Classification: Benign. Last evaluated: 2018-06-18. Review status: criteria provided, single submitter. Criteria: GeneDx Variant Classification (06012015). Collection method: clinical testing. Allele origin: germline. Affected: yes.
Comment: This variant is considered likely benign or benign based on one or more of the following criteria: it is a conservative change, it occurs at a poorly conserved position in the protein, it is predicted to be benign by multiple in silico algorithms, and/or has population frequency not consistent with disease.

Dr. Peter K. Rogan Lab, Western University
No classification provided (evidence only). Condition: Malignant lymphoma, large B-cell, diffuse. Review status: no classification provided. Collection method: in vitro. Allele origin: not applicable. Functional consequence: retained intron. Not counted in ClinVar's aggregate classification.

Dr. Peter K. Rogan Lab, Western University
No classification provided (evidence only). Condition: Cholangiocarcinoma. Review status: no classification provided. Collection method: in vitro. Allele origin: not applicable. Functional consequence: retained intron. Not counted in ClinVar's aggregate classification.

Dr. Peter K. Rogan Lab, Western University
No classification provided (evidence only). Condition: Cholangiocarcinoma. Review status: no classification provided. Collection method: in vitro. Allele origin: not applicable. Functional consequence: retained intron. Not counted in ClinVar's aggregate classification.

Dr. Peter K. Rogan Lab, Western University
No classification provided (evidence only). Condition: Cholangiocarcinoma. Review status: no classification provided. Collection method: in vitro. Allele origin: not applicable. Functional consequence: retained intron. Not counted in ClinVar's aggregate classification.

NM_001148.6(ANK2):c.385-255A>T

Gene: ANK2 (ankyrin 2; plus strand). Cytogenetic location: 4q26.
Variant type: single nucleotide variant.
Coding change: c.385-255A>T on transcript NM_001148.6 (MANE Select); 255 bases into the intron before coding-DNA position 385, A replaced by T.
Molecular consequence: intron variant.
Genome position (GRCh38, 1-based): chr4:113,231,906, A>T. VCF-style: chr4-113231906-A-T. GRCh37 (hg19) VCF-style: chr4-114153062-A-T.
Other names: NC_000004.11:g.114153062A>T; c.373-255A>T (NM_001386186.2, NM_001386148.2, NM_001354269.3 and 1 more transcripts); c.367-255A>T (NM_001386147.1, NM_001386160.1, NM_001354261.2); c.322-255A>T (NM_001354254.2, NM_001354239.2, NM_001354252.2 and 33 more transcripts); c.430-255A>T (NM_001354241.2, NM_001386152.1, NM_001354237.2 and 5 more transcripts); c.385-255A>T (NM_001354225.2, NM_001354235.2, NM_001354246.2 and 9 more transcripts); c.436-255A>T (NM_001386174.1, NM_001386175.1).
Identifiers: ClinVar variation 683232 (VCV000683232.2), dbSNP rs6533675, ClinGen allele CA11758345.